The following is an entry in ClinVar:

NM_004369.4(COL6A3):c.717C>A (p.Asp239Glu)

Gene: COL6A3 (collagen type VI alpha 3 chain; minus strand). Cytogenetic location: 2q37.3.
Variant type: single nucleotide variant.
Coding change: c.717C>A on transcript NM_004369.4 (MANE Select); coding-DNA position 717, C replaced by A.
Protein change: p.Asp239Glu; replaces aspartic acid 239 with glutamic acid.
Molecular consequence: missense variant. On other transcripts: intron variant (2).
Genome position (GRCh38, 1-based): chr2:237,388,177, G>T on the plus strand (C>A on the coding strand, the complement: COL6A3 is on the minus strand). VCF-style: chr2-237388177-G-T. GRCh37 (hg19) VCF-style: chr2-238296820-G-T.
Other names: c.99C>A, p.Asp33Glu (NM_057165.5, NM_057167.4); c.92-6678C>A (NM_057166.5, NM_057164.5); short protein forms D239E, D33E.
Identifiers: ClinVar variation 1014035 (VCV001014035.9), dbSNP rs2078201961, ClinGen allele CA351224376.
Genomic context (GRCh38, chr2:237,388,177, plus strand): 5'-TGCGAAATTGACACTTCCGGTGTTGTTTGATCCATCAATAAGGAAAATAATGTCAGCAGA[G>T]TCTTGTGCTTTAAAAGAAAGAAATGCAAAAAATGTGAAAGCATTAGAACAAGTGACCACA-3'
Protein context (NP_004360.2, residues 229-249): TETLKDITAQ[Asp239Glu]SADIIFLIDG

ClinVar aggregate classification (germline): Uncertain significance (1 of 4 stars; one submission).

Conditions:
Bethlem myopathy 1A. Also called: Bethlem Muscular Dystrophy; MYOPATHY, BENIGN CONGENITAL, WITH CONTRACTURES; Bethlem myopathy 1. Identifiers: Orphanet 610, MedGen CN029274, MONDO:0024530, OMIM 158810.

Allele frequency attached by ClinVar (database versions not stated): gnomAD exomes below 0.00001.
gnomAD v4.1: 2 of 1,614,052 alleles (0.00012%); highest among the groups gnomAD compares: African/African-American, 0.0013%; no homozygotes.

Submission:

Labcorp Genetics (formerly Invitae), Labcorp
Classification: Uncertain significance for Bethlem myopathy 1A. Last evaluated: 2020-04-17. Review status: criteria provided, single submitter. Criteria: Invitae Variant Classification Sherloc (09022015). Collection method: clinical testing. Allele origin: germline.
Comment: In summary, the available evidence is currently insufficient to determine the role of this variant in disease. Therefore, it has been classified as a Variant of Uncertain Significance. This sequence change replaces aspartic acid with glutamic acid at codon 239 of the COL6A3 protein (p.Asp239Glu). The aspartic acid residue is moderately conserved and there is a small physicochemical difference between aspartic acid and glutamic acid. This variant is not present in population databases (ExAC no frequency). This variant has not been reported in the literature in individuals with COL6A3-related conditions. Algorithms developed to predict the effect of missense changes on protein structure and function output the following: SIFT: "Tolerated"; PolyPhen-2: "Benign"; Align-GVGD: "Class C0". The glutamic acid amino acid residue is found in multiple mammalian species, suggesting that this missense change does not adversely affect protein function. These predictions have not been confirmed by published functional studies and their clinical significance is uncertain.